The following is an entry in ClinVar:

NM_001267550.2(TTN):c.40437del (p.Lys13479fs)

Gene: TTN (titin; minus strand). Cytogenetic location: 2q31.2.
Variant type: Deletion.
Coding change: c.40437del on transcript NM_001267550.2 (MANE Select); coding-DNA position 40437, one base deleted (A; older notation c.40437delA).
Protein change: p.Lys13479fs; shifts the reading frame from lysine 13479.
Molecular consequence: frameshift variant. On other transcripts: intron variant (3).
Genome position (GRCh38, 1-based): chr2:178,644,588, T deleted on the plus strand (A on the coding strand, the reverse complement: TTN is on the minus strand); the first of 5 consecutive T bases (chr2:178,644,588-178,644,592); deleting any one gives the same sequence. VCF-style (leftmost placement, unchanged base first): chr2-178644587-GT-G. GRCh37 (hg19) VCF-style: chr2-179509314-GT-G.
Other names: c.35514del, p.Lys11838fs (NM_001256850.1); c.32733del, p.Lys10911fs (NM_133378.4); c.13283-2271del (NM_003319.4); c.13859-2271del (NM_133437.4); c.13658-2271del (NM_133432.3); short protein forms K10911fs, K13479fs, K11838fs.
Identifiers: ClinVar variation 2948172 (VCV002948172.3), dbSNP rs1417338194, ClinGen allele CA2662137539.
Genomic context (GRCh38, chr2:178,644,587, plus strand): 5'-ATTTTTCAGCCTGTGAAATACCTTTCAGAGGTGTAAGCTCCACTTTTTCTGGAACCTGAG[GT>G]TTTTCAGGAACTTTCTTCTTTGGAATAGCTTTAAAGAATATGATTTTACTTTTGTTATTT-3'

ClinVar aggregate classification (germline): Likely pathogenic (1 of 4 stars; one submission).

Conditions:
Dilated cardiomyopathy 1G (CMD1G). Identifiers: Orphanet 154, MedGen C1858763, MONDO:0011400, OMIM 604145.
Autosomal recessive limb-girdle muscular dystrophy type 2J (LGMDR10). Also called: Limb-girdle muscular dystrophy, type 2J; MUSCULAR DYSTROPHY, LIMB-GIRDLE, AUTOSOMAL RECESSIVE 10. Identifiers: Orphanet 140922, MedGen C1837342, MONDO:0012127, OMIM 608807.

Submission:

Labcorp Genetics (formerly Invitae), Labcorp
Classification: Likely pathogenic for Dilated cardiomyopathy 1G; Autosomal recessive limb-girdle muscular dystrophy type 2J. Last evaluated: 2023-11-27. Review status: criteria provided, single submitter. Criteria: Invitae Variant Classification Sherloc (09022015). Collection method: clinical testing. Allele origin: germline.
Comment: This sequence change creates a premature translational stop signal (p.Lys13479Asnfs*13) in the TTN gene. While this is not anticipated to result in nonsense mediated decay, it is expected to create a truncated TTN protein. This variant is not present in population databases (gnomAD no frequency). This variant has not been reported in the literature in individuals affected with TTN-related conditions. This variant is located in the I band of TTN (PMID: 25589632). Truncating variants in this region have been reported in individuals affected with autosomal recessive centronuclear myopathy (PMID: 23975875). Truncating variants in this region have also been identified in individuals affected with autosomal dominant dilated cardiomyopathy and/or cardio-related conditions (PMID: 27869827, 32964742). In summary, the currently available evidence indicates that the variant is pathogenic, but additional data are needed to prove that conclusively. Therefore, this variant has been classified as Likely Pathogenic.

Literature cited by the submitters: PubMed 25589632; PubMed 23975875; PubMed 27869827; PubMed 32964742.